The following is an entry in ClinVar:

ClinVar aggregate classification (germline): Uncertain significance (1 of 4 stars; one submission).

Conditions:
Charcot-Marie-Tooth disease axonal type 2O. Also called: CHARCOT-MARIE-TOOTH NEUROPATHY, AXONAL, TYPE 2O; CHARCOT-MARIE-TOOTH DISEASE, AXONAL, AUTOSOMAL DOMINANT, TYPE 2O; Charcot-Marie-Tooth Neuropathy Type 2O; Charcot-Marie-Tooth disease, axonal, type 20. Identifiers: Orphanet 284232, MedGen C3280220, MONDO:0013644, OMIM 614228.

gnomAD v4.1: 1 of 1,614,198 alleles (0.000062%); highest among the groups gnomAD compares: Non-Finnish European, 0.000085%; no homozygotes.

Submission:

Labcorp Genetics (formerly Invitae), Labcorp
Classification: Uncertain significance for Charcot-Marie-Tooth disease axonal type 2O. Last evaluated: 2023-12-05. Review status: criteria provided, single submitter. Criteria: Invitae Variant Classification Sherloc (09022015). Collection method: clinical testing. Allele origin: germline.
Comment: This sequence change replaces valine, which is neutral and non-polar, with isoleucine, which is neutral and non-polar, at codon 1084 of the DYNC1H1 protein (p.Val1084Ile). This variant is not present in population databases (gnomAD no frequency). This variant has not been reported in the literature in individuals affected with DYNC1H1-related conditions. Advanced modeling of protein sequence and biophysical properties (such as structural, functional, and spatial information, amino acid conservation, physicochemical variation, residue mobility, and thermodynamic stability) performed at Invitae indicates that this missense variant is not expected to disrupt DYNC1H1 protein function with a negative predictive value of 95%. In summary, the available evidence is currently insufficient to determine the role of this variant in disease. Therefore, it has been classified as a Variant of Uncertain Significance.

NM_001376.5(DYNC1H1):c.3250G>A (p.Val1084Ile)

Gene: DYNC1H1 (dynein cytoplasmic 1 heavy chain 1; plus strand). Cytogenetic location: 14q32.31.
Variant type: single nucleotide variant.
Coding change: c.3250G>A on transcript NM_001376.5 (MANE Select); coding-DNA position 3250, G replaced by A.
Protein change: p.Val1084Ile; replaces valine 1084 with isoleucine.
Molecular consequence: missense variant.
Genome position (GRCh38, 1-based): chr14:101,994,766, G>A. VCF-style: chr14-101994766-G-A. GRCh37 (hg19) VCF-style: chr14-102461103-G-A.
Other names: short protein forms V1084I.
Identifiers: ClinVar variation 2872373 (VCV002872373.3), dbSNP rs2503714799, ClinGen allele CA391033129.